The following is an entry in ClinVar:

ClinVar aggregate classification (germline): Conflicting classifications of pathogenicity. Review status: criteria provided, conflicting classifications (1 of 4 stars). 2 submissions from 2 submitters: Uncertain significance (1); Likely benign (1). Last evaluated 2025-09-10.

Conditions:
Inborn genetic diseases. Identifiers: MedGen C0950123, MeSH D030342.

Allele frequency attached by ClinVar (database versions not stated): gnomAD exomes 0.00002 and 0.00005; gnomAD 0.00004 and 0.00005.
gnomAD v4.1: 72 of 1,449,818 alleles (0.005%); highest among the groups gnomAD compares: Non-Finnish European, 0.0059%; no homozygotes.

Submissions (2):

Ambry Genetics
Classification: Likely benign for Inborn genetic diseases. Last evaluated: 2025-09-10. Review status: criteria provided, single submitter. Criteria: Ambry Variant Classification Scheme 2023. Collection method: clinical testing. Allele origin: germline.

Labcorp Genetics (formerly Invitae), Labcorp
Classification: Uncertain significance. Last evaluated: 2022-07-12. Review status: criteria provided, single submitter. Criteria: Invitae Variant Classification Sherloc (09022015). Collection method: clinical testing. Allele origin: germline.
Comment: This sequence change affects codon 2192 of the CAD mRNA. It is a 'silent' change, meaning that it does not change the encoded amino acid sequence of the CAD protein. It affects a nucleotide within the consensus splice site. The frequency data for this variant in the population databases is considered unreliable, as metrics indicate poor data quality at this position in the gnomAD database. This variant has not been reported in the literature in individuals affected with CAD-related conditions. ClinVar contains an entry for this variant (Variation ID: 1472749). Algorithms developed to predict the effect of sequence changes on RNA splicing suggest that this variant is not likely to affect RNA splicing. In summary, the available evidence is currently insufficient to determine the role of this variant in disease. Therefore, it has been classified as a Variant of Uncertain Significance.

NM_004341.5(CAD):c.6576C>T (p.Ser2192=)

Genes: CAD (carbamoyl-phosphate synthetase 2, aspartate transcarbamylase, and dihydroorotase; plus strand), LOC126806172 (CDK7 strongly-dependent group 2 enhancer GRCh37_chr2:27465505-27466704; plus strand). Cytogenetic location: 2p23.3.
Variant type: single nucleotide variant.
Coding change: c.6576C>T on transcript NM_004341.5 (MANE Select); coding-DNA position 6576, C replaced by T.
Protein change: p.Ser2192=; no amino-acid change (serine 2192 retained).
Molecular consequence: synonymous variant.
Genome position (GRCh38, 1-based): chr2:27,243,416, C>T. VCF-style: chr2-27243416-C-T. GRCh37 (hg19) VCF-style: chr2-27466284-C-T.
Other names: c.6387C>T, p.Ser2129= (NM_001306079.2); c.6576C>T (NM_004341.3).
Identifiers: ClinVar variation 1472749 (VCV001472749.6), dbSNP rs1344786039, ClinGen allele CA425387339.